The following is an entry in ClinVar:

ClinVar aggregate classification (germline): Uncertain significance. Review status: criteria provided, single submitter (1 of 4 stars). 2 submissions from 2 submitters: Uncertain significance (1). 1 of the submissions does not count toward it. Last evaluated 2019-06-21.

Conditions:
Autosomal recessive nonsyndromic hearing loss 77. Identifiers: Orphanet 90636, MedGen C2746083, MONDO:0013119, OMIM 613079.

Allele frequency attached by ClinVar (database versions not stated): gnomAD exomes below 0.00001; gnomAD 0.00001 and 0.00002; TOPMed 0.00001.

Submissions (2):

Laboratory for Molecular Medicine, Mass General Brigham Personalized Medicine
Classification: Uncertain significance. Last evaluated: 2019-06-21. Review status: criteria provided, single submitter. Criteria: LMM Criteria. Collection method: clinical testing. Allele origin: germline. Observed: 1 variant allele.
Comment: The p.Met1271Val variant in LOXHD1 has not been previously reported in individuals with HEARING LOSS but has been identified in 0.003% (1/31380) of the total chromosomes by gnomAD. Computational prediction tools and conservation analysis suggest that this variant may not impact the protein, though this information is not predictive enough to rule out pathogenicity. In summary, the clinical significance of this variant is uncertain. ACMG/AMP Criteria applied: PM2, BP4.

Natera, Inc.
Classification: Uncertain significance for Autosomal recessive deafness type 77. Last evaluated: 2021-02-13. Review status: no assertion criteria provided. Collection method: clinical testing. Allele origin: germline. Not counted in ClinVar's aggregate classification.

NM_001384474.1(LOXHD1):c.3811A>G (p.Met1271Val)

Gene: LOXHD1 (lipoxygenase homology PLAT domains 1; minus strand). Cytogenetic location: 18q21.1.
Variant type: single nucleotide variant.
Coding change: c.3811A>G on transcript NM_001384474.1 (MANE Select); coding-DNA position 3811, A replaced by G.
Protein change: p.Met1271Val; replaces methionine 1271 with valine.
Molecular consequence: missense variant.
Genome position (GRCh38, 1-based): chr18:46,541,878, T>C on the plus strand (A>G on the coding strand, the complement: LOXHD1 is on the minus strand). VCF-style: chr18-46541878-T-C. GRCh37 (hg19) VCF-style: chr18-44121841-T-C.
Other names: c.478A>G, p.Met160Val (NM_001145472.3); c.190A>G, p.Met64Val (NM_001308013.2); c.3811A>G, p.Met1271Val (NM_144612.7); short protein forms M64V, M1271V, M160V.
Identifiers: ClinVar variation 930080 (VCV000930080.5), dbSNP rs1377630828, ClinGen allele CA402377595.